The following is an entry in ClinVar:

ClinVar aggregate classification (germline): Uncertain significance (1 of 4 stars; one submission).

Allele frequency attached by ClinVar (database versions not stated): gnomAD exomes below 0.00001; ExAC 0.00001; 1000 Genomes Project 30x 0.00016; 1000 Genomes Project 0.00020.
gnomAD v4.1: 7 of 1,614,116 alleles (0.00043%); highest among the groups gnomAD compares: Admixed American, 0.005%; no homozygotes.

Submission:

Labcorp Genetics (formerly Invitae), Labcorp
Classification: Uncertain significance. Last evaluated: 2026-01-12. Review status: criteria provided, single submitter. Criteria: Invitae Variant Classification Sherloc (09022015). Collection method: clinical testing. Allele origin: germline.
Comment: This sequence change replaces glutamic acid, which is acidic and polar, with glutamine, which is neutral and polar, at codon 761 of the CENPF protein (p.Glu761Gln). This variant is present in population databases (rs543143141, gnomAD 0.003%). This variant has not been reported in the literature in individuals affected with CENPF-related conditions. ClinVar contains an entry for this variant (Variation ID: 2159994). An algorithm developed to predict the effect of missense changes on protein structure and function (PolyPhen-2) suggests that this variant is likely to be disruptive. In summary, the available evidence is currently insufficient to determine the role of this variant in disease. Therefore, it has been classified as a Variant of Uncertain Significance.

NM_016343.4(CENPF):c.2281G>C (p.Glu761Gln)

Gene: CENPF (centromere protein F; plus strand). Cytogenetic location: 1q41.
Variant type: single nucleotide variant.
Coding change: c.2281G>C on transcript NM_016343.4 (MANE Select); coding-DNA position 2281, G replaced by C.
Protein change: p.Glu761Gln; replaces glutamic acid 761 with glutamine.
Molecular consequence: missense variant.
Genome position (GRCh38, 1-based): chr1:214,640,619, G>C. VCF-style: chr1-214640619-G-C. GRCh37 (hg19) VCF-style: chr1-214813962-G-C.
Other names: short protein forms E761Q.
Identifiers: ClinVar variation 2159994 (VCV002159994.4), dbSNP rs543143141, ClinGen allele CA1390229.
Genomic context (GRCh38, chr1:214,640,619, plus strand): 5'-TTACTGTCAAATGAAATAATGGACAAAGACCGGTGTTACCAAGACTTGCATGCCGAATAT[G>C]AGAGCCTCAGGGATCTGCTAAAATCCAAAGATGCTTCTCTGGTGACAAATGAAGATCATC-3'
Protein context (NP_057427.3, residues 751-771): RCYQDLHAEY[Glu761Gln]SLRDLLKSKD